The following is an entry in ClinVar:

NM_000384.3(APOB):c.1243del (p.Val415fs)

Gene: APOB (apolipoprotein B; minus strand). Cytogenetic location: 2p24.1.
Variant type: Deletion.
Coding change: c.1243del on transcript NM_000384.3 (MANE Select); coding-DNA position 1243, one base deleted (G; older notation c.1243delG).
Protein change: p.Val415fs; shifts the reading frame from valine 415.
Molecular consequence: frameshift variant.
Genome position (GRCh38, 1-based): chr2:21,032,463, C deleted on the plus strand (G on the coding strand, the reverse complement: APOB is on the minus strand); the first of 2 consecutive C bases (chr2:21,032,463-21,032,464); deleting either gives the same sequence. VCF-style (leftmost placement, unchanged base first): chr2-21032462-AC-A. GRCh37 (hg19) VCF-style: chr2-21255334-AC-A.
Other names: short protein forms V415fs.
Identifiers: ClinVar variation 2033258 (VCV002033258.4), dbSNP rs2465432746, ClinGen allele CA2580065051.
Genomic context (GRCh38, chr2:21,032,462, plus strand): 5'-TCCCTCGCCATGTTGAAGATCTCTCGCAGCTGCTGTGCTGAGGGCTCGGGGATCAGGGCC[AC>A]CAGGTAGGTGACCACATCTATCAGAAGGGGGTTGGCATGCACACGTTTCAGCCACTGGAG-3'

ClinVar aggregate classification (germline): Pathogenic (1 of 4 stars; one submission).

Conditions:
Familial hypobetalipoproteinemia 1. Also called: Hypobetalipoproteinemia, normotriglyceridemic; Acanthocytosis with hypobetalipoproteinemia; APOB-Related Familial Hypobetalipoproteinemia. Identifiers: MedGen C4551990, MONDO:0014252, OMIM 615558.
Hypercholesterolemia, autosomal dominant, type B (FHCL2). Also called: Familial Hypercholesterolemia Type B; APOLIPOPROTEIN B-100, FAMILIAL DEFECTIVE; APOLIPOPROTEIN B-100, FAMILIAL LIGAND-DEFECTIVE; HYPERCHOLESTEROLEMIA, FAMILIAL, DUE TO LIGAND-DEFECTIVE APOLIPOPROTEIN B; Hyperlipoproteinemia Type IIb; APOB-Related Familial Hypercholesterolemia, Autosomal Dominant. Identifiers: MedGen C1704417, MONDO:0007751, OMIM 144010.

Submission:

Labcorp Genetics (formerly Invitae), Labcorp
Classification: Pathogenic for Familial hypobetalipoproteinemia 1; Hypercholesterolemia, autosomal dominant, type B. Last evaluated: 2021-12-05. Review status: criteria provided, single submitter. Criteria: Invitae Variant Classification Sherloc (09022015). Collection method: clinical testing. Allele origin: germline.
Comment: This sequence change creates a premature translational stop signal (p.Val415Trpfs*3) in the APOB gene. It is expected to result in an absent or disrupted protein product. Loss-of-function variants in APOB are known to be pathogenic (PMID: 20032471). This variant is not present in population databases (gnomAD no frequency). This variant has not been reported in the literature in individuals affected with APOB-related conditions. For these reasons, this variant has been classified as Pathogenic.

Literature cited by the submitters: PubMed 20032471.